The following is an entry in ClinVar:

ClinVar aggregate classification (germline): Pathogenic (1 of 4 stars; one submission).

Conditions:
Myopathy, tubular aggregate, 2 (TAM2). Identifiers: MedGen C4014557, MONDO:0014383, OMIM 615883.
Combined immunodeficiency due to ORAI1 deficiency. Also called: IMMUNODEFICIENCY 9. Identifiers: Orphanet 169090, Orphanet 317428, MedGen C2748568, MONDO:0013007, OMIM 612782.

Submission:

Labcorp Genetics (formerly Invitae), Labcorp
Classification: Pathogenic for Myopathy, tubular aggregate, 2; Combined immunodeficiency due to ORAI1 deficiency. Last evaluated: 2022-11-17. Review status: criteria provided, single submitter. Criteria: Invitae Variant Classification Sherloc (09022015). Collection method: clinical testing. Allele origin: unknown.
Comment: For these reasons, this variant has been classified as Pathogenic. This variant has not been reported in the literature in individuals affected with ORAI1-related conditions. A gross deletion of the genomic region encompassing the full coding sequence of the ORAI1 gene has been identified. Loss-of-function variants in ORAI1 are known to be pathogenic (PMID: 16582901, 20004786, 26070885). The boundaries of this event are unknown as they extend beyond the assayed region for this gene and therefore may encompass additional genes.

Literature cited by the submitters: PubMed 16582901; PubMed 20004786; PubMed 26070885.

NC_000012.11:g.(?_122064648)_(122287716_?)del

Genes: HPD (4-hydroxyphenylpyruvate dioxygenase; minus strand), MORN3 (MORN repeat containing 3; minus strand), ORAI1 (ORAI calcium release-activated calcium modulator 1; plus strand), RHOF (ras homolog family member F, filopodia associated; minus strand), SETD1B (SET domain containing 1B, histone lysine methyltransferase; plus strand) and 1 more. Cytogenetic location: 12q24.31.
Variant type: Deletion.
Identifiers: ClinVar variation 3244335 (VCV003244335.1).